The following is an entry in ClinVar:

ClinVar aggregate classification (germline): Conflicting classifications of pathogenicity. Review status: criteria provided, conflicting classifications (1 of 4 stars). 4 submissions from 4 submitters: Uncertain significance (2); Likely benign (1). 1 of the submissions does not count toward it. Last evaluated 2026-01-09.

Conditions:
LAMC3-related disorder. Also called: LAMC3-related condition.

Allele frequency attached by ClinVar (database versions not stated): gnomAD exomes 0.00009 and 0.00019; 1000 Genomes Project 30x 0.00016; ExAC 0.00019; 1000 Genomes Project 0.00020; gnomAD 0.00072 and 0.00078; TOPMed 0.00074; ESP Exome Variant Server 0.00108.
gnomAD v4.1: 244 of 1,613,130 alleles (0.015%); highest among the groups gnomAD compares: African/African-American, 0.25%; 1 homozygote.

Submissions (4):

Labcorp Genetics (formerly Invitae), Labcorp
Classification: Likely benign. Last evaluated: 2026-01-09. Review status: criteria provided, single submitter. Criteria: Invitae Variant Classification Sherloc (09022015). Collection method: clinical testing. Allele origin: germline.

GeneDx
Classification: Uncertain significance. Last evaluated: 2022-05-06. Review status: criteria provided, single submitter. Criteria: GeneDx Variant Classification Process June 2021. Collection method: clinical testing. Allele origin: germline. Affected: yes.
Comment: In silico analysis supports that this missense variant does not alter protein structure/function; Has not been previously published as pathogenic or benign to our knowledge

Blueprint Genetics
Classification: Uncertain significance. Last evaluated: 2018-09-19. Review status: criteria provided, single submitter. Criteria: ACMG Guidelines, 2015. Collection method: clinical testing. Allele origin: germline.

PreventionGenetics, part of Exact Sciences
Classification: Likely benign for LAMC3-related condition. Last evaluated: 2023-04-13. Review status: no assertion criteria provided. Collection method: clinical testing. Allele origin: germline. Not counted in ClinVar's aggregate classification.
Comment: This variant is classified as likely benign based on ACMG/AMP sequence variant interpretation guidelines (Richards et al. 2015 PMID: 25741868, with internal and published modifications).

NM_006059.4(LAMC3):c.3374C>T (p.Ser1125Leu)

Gene: LAMC3 (laminin subunit gamma 3; plus strand). Cytogenetic location: 9q34.12.
Variant type: single nucleotide variant.
Coding change: c.3374C>T on transcript NM_006059.4 (MANE Select); coding-DNA position 3374, C replaced by T.
Protein change: p.Ser1125Leu; replaces serine 1125 with leucine.
Molecular consequence: missense variant.
Genome position (GRCh38, 1-based): chr9:131,072,792, C>T. VCF-style: chr9-131072792-C-T. GRCh37 (hg19) VCF-style: chr9-133948179-C-T.
Other names: short protein forms S1125L.
Identifiers: ClinVar variation 1571661 (VCV001571661.13), dbSNP rs151213335, ClinGen allele CA5287760.